The following is an entry in ClinVar:

ClinVar aggregate classification (germline): Pathogenic (1 of 4 stars; one submission).

Conditions:
Joubert syndrome. Also called: CEREBELLOPARENCHYMAL DISORDER IV; JOUBERT-BOLTSHAUSER SYNDROME; Familial aplasia of the vermis. Identifiers: Orphanet 475, MedGen C5979921, MONDO:0018772.
Nephronophthisis. Also called: Juvenile Nephronophthisis. Identifiers: Orphanet 655, MedGen C0687120, MONDO:0019005, HP:0000090.
Meckel-Gruber syndrome. Also called: DYSENCEPHALIA SPLANCHNOCYSTICA; GRUBER SYNDROME; Dysencephalia splachnocystica. Identifiers: Orphanet 564, MedGen C0265215, MONDO:0018921.

Submission:

Labcorp Genetics (formerly Invitae), Labcorp
Classification: Pathogenic for Joubert syndrome; Meckel-Gruber syndrome; Nephronophthisis. Last evaluated: 2022-12-27. Review status: criteria provided, single submitter. Criteria: Invitae Variant Classification Sherloc (09022015). Collection method: clinical testing. Allele origin: germline.
Comment: For these reasons, this variant has been classified as Pathogenic. Algorithms developed to predict the effect of sequence changes on RNA splicing suggest that this variant may disrupt the consensus splice site. This variant has not been reported in the literature in individuals affected with CEP290-related conditions. This variant is not present in population databases (gnomAD no frequency). This sequence change creates a premature translational stop signal (p.Asn601Ilefs*2) in the CEP290 gene. It is expected to result in an absent or disrupted protein product. Loss-of-function variants in CEP290 are known to be pathogenic (PMID: 16909394, 17345604, 20690115).

Literature cited by the submitters: PubMed 16909394; PubMed 17345604; PubMed 20690115.

NM_025114.4(CEP290):c.1802del (p.Asn601fs)

Gene: CEP290 (centrosomal protein 290; minus strand). Cytogenetic location: 12q21.32.
Variant type: Deletion.
Coding change: c.1802del on transcript NM_025114.4 (MANE Select); coding-DNA position 1802, one base deleted (A; older notation c.1802delA).
Protein change: p.Asn601fs; shifts the reading frame from asparagine 601.
Molecular consequence: frameshift variant.
Genome position (GRCh38, 1-based): chr12:88,117,055, T deleted on the plus strand (A on the coding strand, the reverse complement: CEP290 is on the minus strand); the first of 5 consecutive T bases (chr12:88,117,055-88,117,059); deleting any one gives the same sequence. VCF-style (leftmost placement, unchanged base first): chr12-88117054-AT-A. GRCh37 (hg19) VCF-style: chr12-88510831-AT-A.
Other names: short protein forms N601fs.
Identifiers: ClinVar variation 2942746 (VCV002942746.3), dbSNP rs2500866580, ClinGen allele CA2620114650.